The following is an entry in ClinVar:

ClinVar aggregate classification (germline): Pathogenic (1 of 4 stars; one submission).

Submission:

Labcorp Genetics (formerly Invitae), Labcorp
Classification: Pathogenic. Last evaluated: 2025-08-12. Review status: criteria provided, single submitter. Criteria: Invitae Variant Classification Sherloc (09022015). Collection method: clinical testing. Allele origin: germline.
Comment: This sequence change creates a premature translational stop signal (p.Met256Trpfs*8) in the NFKB1 gene. It is expected to result in an absent or disrupted protein product. Loss-of-function variants in NFKB1 are known to be pathogenic (PMID: 26279205, 29477724). This variant is not present in population databases (gnomAD no frequency). This variant has not been reported in the literature in individuals affected with NFKB1-related conditions. For these reasons, this variant has been classified as Pathogenic.

Literature cited by the submitters: PubMed 26279205; PubMed 29477724.

NM_003998.4(NFKB1):c.766del (p.Met256fs)

Gene: NFKB1 (nuclear factor kappa B subunit 1; plus strand). Cytogenetic location: 4q24.
Variant type: Deletion.
Coding change: c.766del on transcript NM_003998.4 (MANE Select); coding-DNA position 766, one base deleted (A; older notation c.766delA).
Protein change: p.Met256fs; shifts the reading frame from methionine 256.
Molecular consequence: frameshift variant.
Genome position (GRCh38, 1-based): chr4:102,580,570, A deleted; the last of 2 consecutive A bases (chr4:102,580,569-102,580,570); deleting either gives the same sequence. VCF-style (leftmost placement, unchanged base first): chr4-102580568-GA-G. GRCh37 (hg19) VCF-style: chr4-103501725-GA-G.
Other names: c.763del, p.Met255fs (NM_001165412.2, NM_001319226.2, NM_001382627.1); c.766del, p.Met256fs (NM_001382625.1, NM_001382626.1); c.724del, p.Met242fs (NM_001382628.1); short protein forms M242fs, M256fs, M255fs.
Identifiers: ClinVar variation 4720108 (VCV004720108.1).